The following is an entry in ClinVar:

NM_000059.4(BRCA2):c.6209_6212del (p.Glu2070fs)

Gene: BRCA2 (BRCA2 DNA repair associated; plus strand). Cytogenetic location: 13q13.1.
Variant type: Deletion.
Coding change: c.6209_6212del on transcript NM_000059.4 (MANE Select); coding-DNA positions 6209 to 6212, 4 bases deleted (AAAG; older notation c.6209_6212delAAAG).
Protein change: p.Glu2070fs; shifts the reading frame from glutamic acid 2070.
Molecular consequence: frameshift variant.
Genome position (GRCh38, 1-based): chr13:32,340,564-32,340,567, AAAG deleted; deleting any 4 consecutive bases within chr13:32,340,562-32,340,567 gives the same sequence; the c. name uses the placement nearest the transcript's 3' end. VCF-style (leftmost placement, unchanged base first): chr13-32340561-TAGAA-T. GRCh37 (hg19) VCF-style: chr13-32914698-TAGAA-T.
Other names: 6237del4; c.6209_6212delAAAG (NM_000059.3).
Identifiers: ClinVar variation 52032 (VCV000052032.21), dbSNP rs276174866, ClinGen allele CA023748.
Genomic context (GRCh38, chr13:32,340,561, plus strand): 5'-TGGTAAATTCATCTGCTTTCTCTGGATTTAGTACAGCAAGTGGAAAGCAAGTTTCCATTT[TAGAA>T]AGTTCCTTACACAAAGTTAAGGGAGTGTTAGAGGAATTTGATTTAATCAGAACTGAGCAT-3'

ClinVar aggregate classification (germline): Pathogenic. Review status: reviewed by expert panel (3 of 4 stars). 9 submissions from 9 submitters: Pathogenic (1). 8 of the submissions do not count toward it. Last evaluated 2016-09-08.

Conditions:
Hereditary cancer-predisposing syndrome. Also called: Neoplastic Syndromes, Hereditary; Tumor predisposition; Hereditary neoplastic syndrome; Hereditary Cancer Syndrome. Identifiers: Orphanet 140162, MedGen C0027672, MeSH D009386, MONDO:0015356.
Hereditary breast ovarian cancer syndrome. Also called: Hereditary breast and ovarian cancer syndrome; Hereditary breast and ovarian cancer; Hereditary breast and ovarian cancer syndrome (HBOC); Breast and ovarian cancer; Hereditary breast and/or ovarian cancer syndrome; BRCA1- and BRCA2-Associated Hereditary Breast and Ovarian Cancer. Identifiers: Orphanet 145, MedGen C0677776, MeSH D061325, MONDO:0003582. Disease mechanism: loss of function.
Familial cancer of breast. Also called: BREAST CANCER, FAMILIAL; Hereditary breast cancer; hereditary breast carcinoma. Identifiers: Orphanet 227535, MedGen C0346153, MONDO:0016419, OMIM 114480. Disease mechanism: loss of function.
Breast-ovarian cancer, familial, susceptibility to, 2 (BROVCA2). Also called: BRCA2 Hereditary Breast and Ovarian Cancer. Identifiers: Orphanet 145, MedGen C2675520, MONDO:0012933, OMIM 612555. Disease mechanism: loss of function.

Submissions (9):

Evidence-based Network for the Interpretation of Germline Mutant Alleles (ENIGMA)
Classification: Pathogenic for Breast-ovarian cancer, familial, susceptibility to, 2. Last evaluated: 2016-09-08. Review status: reviewed by expert panel. Criteria: ENIGMA BRCA1/2 Classification Criteria (2015). Collection method: curation. Allele origin: germline.
Comment: Variant allele predicted to encode a truncated non-functional protein.

Molecular Pathology, Peter Maccallum Cancer Centre
Classification: Pathogenic for Breast-ovarian cancer, familial, susceptibility to, 2. Last evaluated: 2025-01-02. Review status: criteria provided, single submitter. Criteria: ACMG Guidelines, 2015. Collection method: clinical testing. Allele origin: germline. Inheritance: Autosomal dominant inheritance. Not counted in ClinVar's aggregate classification.

Ambry Genetics
Classification: Pathogenic for Hereditary cancer-predisposing syndrome. Last evaluated: 2022-11-14. Review status: criteria provided, single submitter. Criteria: Ambry Variant Classification Scheme 2023. Collection method: clinical testing. Allele origin: germline. Not counted in ClinVar's aggregate classification.
Comment: The c.6209_6212delAAAG pathogenic mutation, located in coding exon 10 of the BRCA2 gene, results from a deletion of 4 nucleotides at positions 6209 to 6212, causing a translational frameshift with a predicted alternate stop codon (p.E2070Vfs*10). This mutation has previously been reported in families affected with breast, ovarian, and other cancers (Lecarpentier J et al. Breast Cancer Res. 2012 Jul 3;14(4):R99; de Juan I et al. Fam. Cancer 2015 Dec;14(4):505-13). In addition to the clinical data presented in the literature, this alteration is expected to result in loss of function by premature protein truncation or nonsense-mediated mRNA decay. As such, this alteration is interpreted as a disease-causing mutation.

Baylor Genetics
Classification: Pathogenic for Familial cancer of breast. Last evaluated: 2021-10-28. Review status: criteria provided, single submitter. Criteria: ACMG Guidelines, 2015. Collection method: clinical testing. Allele origin: unknown. Not counted in ClinVar's aggregate classification.

Labcorp Genetics (formerly Invitae), Labcorp
Classification: Pathogenic for Hereditary breast ovarian cancer syndrome. Last evaluated: 2021-07-14. Review status: criteria provided, single submitter. Criteria: Invitae Variant Classification Sherloc (09022015). Collection method: clinical testing. Allele origin: germline. Not counted in ClinVar's aggregate classification.
Comment: This variant has been reported in individuals affected with breast and/or ovarian cancer, including a family history of male breast cancer (PMID: 22762150, 26026974). ClinVar contains an entry for this variant (Variation ID: 52032). This sequence change creates a premature translational stop signal (p.Glu2070Valfs*10) in the BRCA2 gene. It is expected to result in an absent or disrupted protein product. This variant is not present in population databases (ExAC no frequency). Loss-of-function variants in BRCA2 are known to be pathogenic (PMID: 20104584). For these reasons, this variant has been classified as Pathogenic.

Women's Health and Genetics/Laboratory Corporation of America, LabCorp
Classification: Pathogenic for Hereditary breast and ovarian cancer syndrome. Last evaluated: 2020-11-16. Review status: criteria provided, single submitter. Criteria: LabCorp Variant Classification Summary - May 2015. Collection method: clinical testing. Allele origin: germline. Not counted in ClinVar's aggregate classification.
Comment: Variant summary: BRCA2 c.6209_6212delAAAG (p.Glu2070ValfsX10) results in a premature termination codon, predicted to cause a truncation of the encoded protein or absence of the protein due to nonsense mediated decay, which are commonly known mechanisms for disease. Truncations downstream of this position have been classified as pathogenic by our laboratory. The variant was absent in 250212 control chromosomes. c.6209_6212delAAAG has been widely reported in the literature in multiple individuals affected with Hereditary Breast And Ovarian Cancer Syndrome (example, Rebbeck_2018). These data indicate that the variant is very likely to be associated with disease. Three clinical diagnostic laboratories and one expert panel (ENIGMA) have submitted clinical-significance assessments for this variant to ClinVar after 2014 without evidence for independent evaluation. All submitters classified the variant as pathogenic. Based on the evidence outlined above, the variant was classified as pathogenic.

Genologica Medica
Classification: Pathogenic for Breast-ovarian cancer, familial, susceptibility to, 2. Last evaluated: 2017-01-01. Review status: criteria provided, single submitter. Criteria: ACMG Guidelines, 2015. Collection method: clinical testing. Allele origin: germline. Affected: yes. Not counted in ClinVar's aggregate classification.

Consortium of Investigators of Modifiers of BRCA1/2 (CIMBA), c/o University of Cambridge
Classification: Pathogenic for Breast-ovarian cancer, familial, susceptibility to, 2. Last evaluated: 2015-10-02. Review status: criteria provided, single submitter. Criteria: CIMBA Mutation Classification guidelines May 2016. Collection method: clinical testing. Allele origin: germline. Not counted in ClinVar's aggregate classification.

Breast Cancer Information Core (BIC) (BRCA2)
Classification: Pathogenic for Breast-ovarian cancer, familial 2. Last evaluated: 2008-05-09. Review status: no assertion criteria provided. Collection method: clinical testing. Allele origin: germline. Affected: yes. Observed: 1 variant allele. Not counted in ClinVar's aggregate classification.

Literature cited by the submitters: PubMed 22762150 (cited by Ambry Genetics and Labcorp Genetics (formerly Invitae), Labcorp); PubMed 26026974 (cited by Ambry Genetics and Labcorp Genetics (formerly Invitae), Labcorp); PubMed 20104584 (cited by Labcorp Genetics (formerly Invitae), Labcorp); PubMed 29446198 (cited by Women's Health and Genetics/Laboratory Corporation of America, LabCorp).